The following is an entry in ClinVar:

ClinVar aggregate classification (germline): Conflicting classifications of pathogenicity. Review status: criteria provided, conflicting classifications (1 of 4 stars). 2 submissions from 2 submitters: Uncertain significance (1); Likely benign (1). Last evaluated 2024-07-09.

Conditions:
Fanconi anemia complementation group O. Also called: RAD51C-Related Fanconi Anemia. Identifiers: Orphanet 84, MedGen C3150653, MONDO:0013248, OMIM 613390.

Submissions (2):

Labcorp Genetics (formerly Invitae), Labcorp
Classification: Likely benign for Fanconi anemia complementation group O. Last evaluated: 2024-07-09. Review status: criteria provided, single submitter. Criteria: Invitae Variant Classification Sherloc (09022015). Collection method: clinical testing. Allele origin: germline.

CeGaT Center for Human Genetics Tuebingen
Classification: Uncertain significance. Last evaluated: 2023-09-01. Review status: criteria provided, single submitter. Criteria: CeGaT Center For Human Genetics Tuebingen Variant Classification Criteria Version 2. Collection method: clinical testing. Allele origin: germline. Affected: yes. Observed: 1 variant allele.
Comment: RAD51C: PM2, BP4, BP7

NM_058216.3(RAD51C):c.972A>G (p.Ala324=)

Gene: RAD51C (RAD51 paralog C; plus strand). Cytogenetic location: 17q22.
Variant type: single nucleotide variant.
Coding change: c.972A>G on transcript NM_058216.3 (MANE Select); coding-DNA position 972, A replaced by G.
Protein change: p.Ala324=; no amino-acid change (alanine 324 retained).
Molecular consequence: synonymous variant. On other transcripts: non-coding transcript variant (1).
Genome position (GRCh38, 1-based): chr17:58,732,490, A>G. VCF-style: chr17-58732490-A-G. GRCh37 (hg19) VCF-style: chr17-56809851-A-G.
Other names: c.*400A>G (NM_058217.1).
Identifiers: ClinVar variation 2582960 (VCV002582960.28), dbSNP rs1555605052, ClinGen allele CA400364860.